The following is an entry in ClinVar:

NM_000293.3(PHKB):c.2540C>T (p.Ala847Val)

Gene: PHKB (phosphorylase kinase regulatory subunit beta; plus strand). Cytogenetic location: 16q12.1.
Variant type: single nucleotide variant.
Coding change: c.2540C>T on transcript NM_000293.3 (MANE Select); coding-DNA position 2540, C replaced by T.
Protein change: p.Ala847Val; replaces alanine 847 with valine.
Molecular consequence: missense variant.
Genome position (GRCh38, 1-based): chr16:47,669,327, C>T. VCF-style: chr16-47669327-C-T. GRCh37 (hg19) VCF-style: chr16-47703238-C-T.
Other names: c.2519C>T (NM_001031835.2); c.2519C>T, p.Ala840Val (NM_001031835.3); c.2540C>T, p.Ala847Val (NM_001363837.1); short protein forms A840V, A847V.
Identifiers: ClinVar variation 1372580 (VCV001372580.6), dbSNP rs374731360, ClinGen allele CA8041269.

ClinVar aggregate classification (germline): Uncertain significance. Review status: criteria provided, multiple submitters, no conflicts (2 of 4 stars). 4 submissions from 4 submitters: Uncertain significance (4). Last evaluated 2026-09-11.

Conditions:
Glycogen storage disease IXb (GSD9B). Also called: GLYCOGENOSIS OF LIVER AND MUSCLE, AUTOSOMAL RECESSIVE; GSD IXb; PHOSPHORYLASE KINASE DEFICIENCY OF LIVER AND MUSCLE, AUTOSOMAL RECESSIVE. Identifiers: Orphanet 79240, MedGen C0543514, MONDO:0009868, OMIM 261750.
PHKB-related disorder. Also called: PHKB-related condition.

Allele frequency attached by ClinVar (database versions not stated): gnomAD exomes 0.00007 and 0.00020; ExAC 0.00011; ESP Exome Variant Server 0.00015; 1000 Genomes Project 30x 0.00016; TOPMed 0.00016; gnomAD 0.00017; 1000 Genomes Project 0.00020.
gnomAD v4.1: 304 of 1,613,980 alleles (0.019%); highest among the groups gnomAD compares: Non-Finnish European, 0.024%; no homozygotes.

Submissions (4):

PreventionGenetics, part of Exact Sciences
Classification: Uncertain significance for PHKB-related condition. Last evaluated: 2026-09-11. Review status: criteria provided, single submitter. Criteria: ACMG Guidelines, 2015. Collection method: clinical testing. Allele origin: germline.
Comment: The PHKB c.2519C>T variant is predicted to result in the amino acid substitution p.Ala840Val. To our knowledge, this variant has not been reported in the literature. This variant is reported in 0.016% of alleles in individuals of European (Non-Finnish) descent in gnomAD. At this time, the clinical significance of this variant is uncertain due to the absence of conclusive functional and genetic evidence.

Blueprint Genetics
Classification: Uncertain significance. Last evaluated: 2024-10-14. Review status: criteria provided, single submitter. Criteria: ACMG Guidelines, 2015. Collection method: clinical testing. Allele origin: germline.

ARUP Laboratories, Molecular Genetics and Genomics, ARUP Laboratories
Classification: Uncertain significance for Glycogen storage disease IXb. Last evaluated: 2024-01-10. Review status: criteria provided, single submitter. Criteria: ARUP Molecular Germline Variant Investigation Process 2024. Collection method: clinical testing. Allele origin: germline.
Comment: The PHKB c.2540C>T; p.Ala847Val variant (rs374731360) is reported in the literature in a compound heterozygous individual affected with glycogen storage disease type 9b (Teufel-Schafer 2021). This variant is reported in ClinVar (Variation ID: 1372580) and is found in the non-Finnish European population with an overall allele frequency of 0.016% (20/128,980 alleles) in the Genome Aggregation Database (v2.1.1). Computational analyses predict that this variant is deleterious (REVEL: 0.724). Due to limited information, the clinical significance of this variant is uncertain at this time. References: Teufel-Schafer U et al. Severe allergic contact dermatitis to two different continuous glucose monitoring devices in a patient with glycogen storage disease type 9b. Pediatr Dermatol. 2021 Sep;38(5):1302-1304. PMID: 34418148.

Labcorp Genetics (formerly Invitae), Labcorp
Classification: Uncertain significance for Glycogen storage disease IXb. Last evaluated: 2022-04-04. Review status: criteria provided, single submitter. Criteria: Invitae Variant Classification Sherloc (09022015). Collection method: clinical testing. Allele origin: germline.
Comment: This sequence change replaces alanine, which is neutral and non-polar, with valine, which is neutral and non-polar, at codon 847 of the PHKB protein (p.Ala847Val). This variant is present in population databases (rs374731360, gnomAD 0.02%). This variant has not been reported in the literature in individuals affected with PHKB-related conditions. Algorithms developed to predict the effect of missense changes on protein structure and function (SIFT, PolyPhen-2, Align-GVGD) all suggest that this variant is likely to be disruptive. In summary, the available evidence is currently insufficient to determine the role of this variant in disease. Therefore, it has been classified as a Variant of Uncertain Significance.